The following is an entry in ClinVar:

ClinVar aggregate classification (germline): Conflicting classifications of pathogenicity. Review status: criteria provided, conflicting classifications (1 of 4 stars). 2 submissions from 2 submitters: Uncertain significance (1); Likely benign (1). Last evaluated 2022-11-01.

Allele frequency attached by ClinVar (database versions not stated): gnomAD 0.00001; 1000 Genomes Project 30x 0.00016; 1000 Genomes Project 0.00020.
gnomAD v4.1: 13 of 1,613,570 alleles (0.00081%); highest among the groups gnomAD compares: East Asian, 0.016%; no homozygotes.

Submissions (2):

CeGaT Center for Human Genetics Tuebingen
Classification: Uncertain significance. Last evaluated: 2022-11-01. Review status: criteria provided, single submitter. Criteria: CeGaT Center For Human Genetics Tuebingen Variant Classification Criteria Version 2. Collection method: clinical testing. Allele origin: germline. Affected: yes. Observed: 1 variant allele.
Comment: NOTCH3: PP2, BP4

Labcorp Genetics (formerly Invitae), Labcorp
Classification: Likely benign. Last evaluated: 2022-06-28. Review status: criteria provided, single submitter. Criteria: Invitae Variant Classification Sherloc (09022015). Collection method: clinical testing. Allele origin: germline.

NM_000435.3(NOTCH3):c.3148C>T (p.Arg1050Trp)

Gene: NOTCH3 (notch receptor 3; minus strand). Cytogenetic location: 19p13.12.
Variant type: single nucleotide variant.
Coding change: c.3148C>T on transcript NM_000435.3 (MANE Select); coding-DNA position 3148, C replaced by T.
Protein change: p.Arg1050Trp; replaces arginine 1050 with tryptophan.
Molecular consequence: missense variant.
Genome position (GRCh38, 1-based): chr19:15,180,251, G>A on the plus strand (C>T on the coding strand, the complement: NOTCH3 is on the minus strand). VCF-style: chr19-15180251-G-A. GRCh37 (hg19) VCF-style: chr19-15291062-G-A.
Other names: short protein forms R1050W.
Identifiers: ClinVar variation 2061680 (VCV002061680.28), dbSNP rs371525707, ClinGen allele CA9263166.